The following is an entry in ClinVar:

ClinVar aggregate classification (germline): Uncertain significance (1 of 4 stars; one submission).

Conditions:
Hereditary cancer-predisposing syndrome. Also called: Neoplastic Syndromes, Hereditary; Tumor predisposition; Hereditary Cancer Syndrome; Hereditary neoplastic syndrome. Identifiers: Orphanet 140162, MedGen C0027672, MeSH D009386, MONDO:0015356.

Submission:

Ambry Genetics
Classification: Uncertain significance for Hereditary cancer-predisposing syndrome. Last evaluated: 2026-05-02. Review status: criteria provided, single submitter. Criteria: Ambry Variant Classification Scheme 2023. Collection method: clinical testing. Allele origin: germline.
Comment: The p.Q123P variant (also known as c.368A>C), located in coding exon 4 of the CDC73 gene, results from an A to C substitution at nucleotide position 368. The glutamine at codon 123 is replaced by proline, an amino acid with similar properties. This amino acid position is conserved. In addition, this alteration is predicted to be deleterious by in silico analysis. Based on the available evidence, the clinical significance of this variant remains unclear.

NM_024529.5(CDC73):c.368A>C (p.Gln123Pro)

Gene: CDC73 (cell division cycle 73; plus strand). Cytogenetic location: 1q31.2.
Variant type: single nucleotide variant.
Coding change: c.368A>C on transcript NM_024529.5 (MANE Select); coding-DNA position 368, A replaced by C.
Protein change: p.Gln123Pro; replaces glutamine 123 with proline.
Molecular consequence: missense variant.
Genome position (GRCh38, 1-based): chr1:193,135,451, A>C. VCF-style: chr1-193135451-A-C. GRCh37 (hg19) VCF-style: chr1-193104581-A-C.
Other names: short protein forms Q123P.
Identifiers: ClinVar variation 4868361 (VCV004868361.1).